The following is an entry in ClinVar:

NM_005589.4(ALDH6A1):c.*1623C>T

Genes: ALDH6A1 (aldehyde dehydrogenase 6 family member A1; minus strand), BBOF1 (basal body orientation factor 1; plus strand). Cytogenetic location: 14q24.3.
Variant type: single nucleotide variant.
Coding change: c.*1623C>T on transcript NM_005589.4 (MANE Select); 1623 bases downstream of the stop codon, C replaced by T.
Molecular consequence: 3 prime UTR variant. On other transcripts: intron variant (1).
Genome position (GRCh38, 1-based): chr14:74,059,019, G>A on the plus strand (C>T on the coding strand, the complement: ALDH6A1 is on the minus strand). VCF-style: chr14-74059019-G-A. GRCh37 (hg19) VCF-style: chr14-74525722-G-A.
Other names: c.*1623C>T (NM_001278593.2, NM_001278594.2); c.1578+1761G>A (NM_025057.3).
Identifiers: ClinVar variation 885792 (VCV000885792.5), dbSNP rs112962625, ClinGen allele CA263533638.

ClinVar aggregate classification (germline): Benign. Review status: criteria provided, multiple submitters, no conflicts (2 of 4 stars). 2 submissions from 2 submitters: Benign (2). Last evaluated 2018-01-12.

Conditions:
Methylmalonate semialdehyde dehydrogenase deficiency (MMSDHD). Also called: MMSDH DEFICIENCY. Identifiers: Orphanet 289307, MedGen C3279840, MONDO:0013579, OMIM 614105.

Allele frequency attached by ClinVar (database versions not stated): gnomAD exomes 0.00038; gnomAD 0.01605 and 0.01722; TOPMed 0.01849; 1000 Genomes Project 0.02097; 1000 Genomes Project 30x 0.02249.
gnomAD v4.1: 2,380 of 155,272 alleles (1.5%); highest among the groups gnomAD compares: African/African-American, 5.6%; 67 homozygotes.

Submissions (2):

Illumina Laboratory Services, Illumina
Classification: Benign for Methylmalonate semialdehyde dehydrogenase deficiency. Last evaluated: 2018-01-12. Review status: criteria provided, single submitter. Criteria: ICSL Variant Classification Criteria 13 December 2019. Collection method: clinical testing. Allele origin: germline.
Comment: This variant was observed in the ICSL laboratory as part of a predisposition screen in an ostensibly healthy population. It had not been previously curated by ICSL or reported in the Human Gene Mutation Database (HGMD: prior to June 1st, 2018), and was therefore a candidate for classification through an automated scoring system. Utilizing variant allele frequency, disease prevalence and penetrance estimates, and inheritance mode, an automated score was calculated to assess if this variant is too frequent to cause the disease. Based on the score and internal cut-off values, a variant classified as benign is not then subjected to further curation. The score for this variant resulted in a classification of benign for this disease.

Breakthrough Genomics
Classification: Benign. Review status: criteria provided, single submitter. Criteria: ACMG Guidelines, 2015. Collection method: not provided. Allele origin: germline. Inheritance: Autosomal recessive inheritance. Affected: yes.